The following is an entry in ClinVar:

NM_198525.3(KIF7):c.2364del (p.Arg789fs)

Gene: KIF7 (kinesin family member 7; minus strand). Cytogenetic location: 15q26.1.
Variant type: Deletion.
Coding change: c.2364del on transcript NM_198525.3 (MANE Select); coding-DNA position 2364, one base deleted (G; older notation c.2364delG).
Protein change: p.Arg789fs; shifts the reading frame from arginine 789.
Molecular consequence: frameshift variant.
Genome position (GRCh38, 1-based): chr15:89,642,233, C deleted on the plus strand (G on the coding strand, the reverse complement: KIF7 is on the minus strand); the first of 2 consecutive C bases (chr15:89,642,233-89,642,234); deleting either gives the same sequence. VCF-style (leftmost placement, unchanged base first): chr15-89642232-TC-T. GRCh37 (hg19) VCF-style: chr15-90185463-TC-T.
Other names: short protein forms R789fs.
Identifiers: ClinVar variation 4279698 (VCV004279698.1).
Genomic context (GRCh38, chr15:89,642,232, plus strand): 5'-CAGCACCCCACCCTGAGGCCCCGAGACTAACCTGCACCTGGCTCTGGGCCGCAGCGACCC[TC>T]CTGCGGAACTCCTGGAGCCGAGACCGCTCGCCAGCATCCTGGAGCTCCTTGCCCTCGAGC-3'

ClinVar aggregate classification (germline): Pathogenic (1 of 4 stars; one submission).

Conditions:
KIF7-related disorder. Also called: KIF7-related condition.

Submission:

Daryl Scott Lab, Baylor College of Medicine
Classification: Pathogenic for KIF7-related disorder. Last evaluated: 2025-08-25. Review status: criteria provided, single submitter. Criteria: ACMG Guidelines, 2015. Collection method: clinical testing. Allele origin: maternal. Affected: yes. Observed: 1 compound heterozygote.
Comment: PVS1, PM2, PM3